The following is an entry in ClinVar:

NM_001377299.1(NDUFS2):c.1322G>A (p.Gly441Glu)

Gene: NDUFS2 (NADH:ubiquinone oxidoreductase core subunit S2; plus strand). Cytogenetic location: 1q23.3.
Variant type: single nucleotide variant.
Coding change: c.1322G>A on transcript NM_001377299.1 (MANE Select); coding-DNA position 1322, G replaced by A.
Protein change: p.Gly441Glu; replaces glycine 441 with glutamic acid.
Molecular consequence: missense variant. On other transcripts: non-coding transcript variant (1).
Genome position (GRCh38, 1-based): chr1:161,213,889, G>A. VCF-style: chr1-161213889-G-A. GRCh37 (hg19) VCF-style: chr1-161183679-G-A.
Other names: c.1322G>A, p.Gly441Glu (NM_001166159.2, NM_001377298.1, NM_001377300.1 and 3 more transcripts); c.1244G>A, p.Gly415Glu (NM_001410889.1); short protein forms G441E, G415E.
Identifiers: ClinVar variation 1930306 (VCV001930306.5), dbSNP rs989293094, ClinGen allele CA31676785.

ClinVar aggregate classification (germline): Uncertain significance (1 of 4 stars; one submission).

Allele frequency attached by ClinVar (database versions not stated): gnomAD 0.00002; gnomAD exomes 0.00002; TOPMed 0.00002.
gnomAD v4.1: 37 of 1,614,084 alleles (0.0023%); highest among the groups gnomAD compares: Non-Finnish European, 0.0029%; no homozygotes.

Submission:

Labcorp Genetics (formerly Invitae), Labcorp
Classification: Uncertain significance. Last evaluated: 2022-05-06. Review status: criteria provided, single submitter. Criteria: Invitae Variant Classification Sherloc (09022015). Collection method: clinical testing. Allele origin: germline.
Comment: This variant is present in population databases (no rsID available, gnomAD 0.003%). In summary, the available evidence is currently insufficient to determine the role of this variant in disease. Therefore, it has been classified as a Variant of Uncertain Significance. Algorithms developed to predict the effect of missense changes on protein structure and function are either unavailable or do not agree on the potential impact of this missense change (SIFT: "Tolerated"; PolyPhen-2: "Possibly Damaging"; Align-GVGD: "Class C0"). This variant has not been reported in the literature in individuals affected with NDUFS2-related conditions. This sequence change replaces glycine, which is neutral and non-polar, with glutamic acid, which is acidic and polar, at codon 441 of the NDUFS2 protein (p.Gly441Glu).